The following is an entry in ClinVar:

NM_004360.5(CDH1):c.2446A>G (p.Lys816Glu)

Gene: CDH1 (cadherin 1; plus strand). Cytogenetic location: 16q22.1.
Variant type: single nucleotide variant.
Coding change: c.2446A>G on transcript NM_004360.5 (MANE Select); coding-DNA position 2446, A replaced by G.
Protein change: p.Lys816Glu; replaces lysine 816 with glutamic acid.
Molecular consequence: missense variant.
Genome position (GRCh38, 1-based): chr16:68,833,296, A>G. VCF-style: chr16-68833296-A-G. GRCh37 (hg19) VCF-style: chr16-68867199-A-G.
Other names: c.2446A>G (LRG_301t1); c.2263A>G, p.Lys755Glu (NM_001317184.2); c.898A>G, p.Lys300Glu (NM_001317185.2); c.481A>G, p.Lys161Glu (NM_001317186.2); short protein forms K816E, K755E, K161E, K300E.
Identifiers: ClinVar variation 481691 (VCV000481691.13), dbSNP rs1555518211, ClinGen allele CA396471958.

ClinVar aggregate classification (germline): Uncertain significance. Review status: criteria provided, multiple submitters, no conflicts (2 of 4 stars). 3 submissions from 3 submitters: Uncertain significance (3). Last evaluated 2022-12-13.

Conditions:
Hereditary cancer-predisposing syndrome. Also called: Hereditary neoplastic syndrome; Neoplastic Syndromes, Hereditary; Tumor predisposition; Hereditary Cancer Syndrome. Identifiers: Orphanet 140162, MedGen C0027672, MeSH D009386, MONDO:0015356.
Hereditary diffuse gastric adenocarcinoma (HDGC). Also called: DIFFUSE GASTRIC AND LOBULAR BREAST CANCER SYNDROME. Identifiers: Orphanet 26106, MedGen C1708349, MONDO:0007648, OMIM 137215.

Submissions (3):

Color Diagnostics, LLC DBA Color Health
Classification: Uncertain significance for Hereditary cancer-predisposing syndrome. Last evaluated: 2022-12-13. Review status: criteria provided, single submitter. Criteria: ACMG Guidelines, 2015. Collection method: clinical testing. Allele origin: germline.
Comment: This missense variant replaces lysine with glutamic acid at codon 816 of the CDH1 protein. To our knowledge, functional studies have not been reported for this variant. This variant has not been reported in individuals affected with CDH1-related disorders in the literature. This variant has not been identified in the general population by the Genome Aggregation Database (gnomAD). The available evidence is insufficient to determine the role of this variant in disease conclusively. Therefore, this variant is classified as a Variant of Uncertain Significance.

Labcorp Genetics (formerly Invitae), Labcorp
Classification: Uncertain significance for Hereditary diffuse gastric adenocarcinoma. Last evaluated: 2022-08-08. Review status: criteria provided, single submitter. Criteria: Invitae Variant Classification Sherloc (09022015). Collection method: clinical testing. Allele origin: germline.
Comment: This variant has not been reported in the literature in individuals affected with CDH1-related conditions. In summary, the available evidence is currently insufficient to determine the role of this variant in disease. Therefore, it has been classified as a Variant of Uncertain Significance. Algorithms developed to predict the effect of missense changes on protein structure and function are either unavailable or do not agree on the potential impact of this missense change (SIFT: "Deleterious"; PolyPhen-2: "Possibly Damaging"; Align-GVGD: "Class C0"). ClinVar contains an entry for this variant (Variation ID: 481691). This variant is not present in population databases (gnomAD no frequency). This sequence change replaces lysine, which is basic and polar, with glutamic acid, which is acidic and polar, at codon 816 of the CDH1 protein (p.Lys816Glu).

Ambry Genetics
Classification: Uncertain significance for Hereditary cancer-predisposing syndrome. Last evaluated: 2019-11-07. Review status: criteria provided, single submitter. Criteria: Ambry Variant Classification Scheme 2023. Collection method: clinical testing. Allele origin: germline.
Comment: The p.K816E variant (also known as c.2446A>G), located in coding exon 16 of the CDH1 gene, results from an A to G substitution at nucleotide position 2446. The lysine at codon 816 is replaced by glutamic acid, an amino acid with similar properties. This amino acid position is well conserved in available vertebrate species. In addition, the in silico prediction for this alteration is inconclusive. Since supporting evidence is limited at this time, the clinical significance of this alteration remains unclear.